The following is an entry in ClinVar:

ClinVar aggregate classification (germline): Uncertain significance (1 of 4 stars; one submission).

Submission:

Labcorp Genetics (formerly Invitae), Labcorp
Classification: Uncertain significance. Last evaluated: 2022-11-01. Review status: criteria provided, single submitter. Criteria: Invitae Variant Classification Sherloc (09022015). Collection method: clinical testing. Allele origin: germline.
Comment: In summary, the available evidence is currently insufficient to determine the role of this variant in disease. Therefore, it has been classified as a Variant of Uncertain Significance. Advanced modeling of protein sequence and biophysical properties (such as structural, functional, and spatial information, amino acid conservation, physicochemical variation, residue mobility, and thermodynamic stability) performed at Invitae indicates that this missense variant is expected to disrupt EXOSC2 protein function. ClinVar contains an entry for this variant (Variation ID: 1009446). This variant has not been reported in the literature in individuals affected with EXOSC2-related conditions. This variant is not present in population databases (gnomAD no frequency). This sequence change replaces isoleucine, which is neutral and non-polar, with threonine, which is neutral and polar, at codon 67 of the EXOSC2 protein (p.Ile67Thr).

NM_014285.7(EXOSC2):c.200T>C (p.Ile67Thr)

Gene: EXOSC2 (exosome component 2; plus strand). Cytogenetic location: 9q34.12.
Variant type: single nucleotide variant.
Coding change: c.200T>C on transcript NM_014285.7 (MANE Select); coding-DNA position 200, T replaced by C.
Protein change: p.Ile67Thr; replaces isoleucine 67 with threonine.
Molecular consequence: missense variant. On other transcripts: non-coding transcript variant (1).
Genome position (GRCh38, 1-based): chr9:130,695,569, T>C. VCF-style: chr9-130695569-T-C. GRCh37 (hg19) VCF-style: chr9-133570956-T-C.
Other names: c.200T>C, p.Ile67Thr (NM_001282708.1, NM_001282709.1); short protein forms I67T.
Identifiers: ClinVar variation 1009446 (VCV001009446.8), dbSNP rs1831074653, ClinGen allele CA375246594.